The following continues an entry in ClinVar:

NM_000218.3(KCNQ1):c.1781G>A (p.Arg594Gln)

Gene: KCNQ1. ClinVar aggregate classification (germline): Pathogenic/Likely pathogenic. Pathogenic (18); Likely pathogenic (5).

Submissions 8 to 19 of 26:

Color Diagnostics, LLC DBA Color Health
Classification: Pathogenic for Cardiac arrhythmia. Last evaluated: 2024-04-01. Review status: criteria provided, single submitter. Criteria: ACMG Guidelines, 2015. Collection method: clinical testing. Allele origin: germline.
Comment: This missense variant replaces arginine with glutamine at codon 594 of the KCNQ1 protein. This variant is found within a highly conserved C-terminal cytoplasmic region (a.a. 585-607). Rare non-truncating variants in this region have been shown to be significantly overrepresented in individuals with long QT syndrome (PMID: 32893267). Functional studies have shown that this variant results in decreased cell surface protein expression and loss of potassium channel function (PMID: 15051636, 15140888, 20662986) by causing retention of the mutant protein in the endoplasmic reticulum and disturbing channel trafficking (PMID: 15935335, 24912595). This variant has been reported in up to 30 individuals affected with long QT syndrome, including over ten pediatric probands (PMID: 10973849, 12402336, 14678125, 15051636, 16818214, 17470695, 17905336, 19841300, 20662986, 22949429, 24218437, 24912595, 25453094, 27041096, 32421437), and 17 individuals suspected of having long QT syndrome (PMID: 15840476, 19716085). This variant has been observed in two biallelic individuals affected with Jervell and Lange-Nielsen Syndrome (PMID: 11140949, 11530100, 29677589). This variant has been identified in 7/282350 chromosomes in the general population by the Genome Aggregation Database (gnomAD). Based on the available evidence, this variant is classified as Pathogenic.

All of Us Research Program, National Institutes of Health
Classification: Pathogenic for Long QT syndrome. Last evaluated: 2024-03-24. Review status: criteria provided, single submitter. Criteria: ACMG Guidelines, 2015. Collection method: clinical testing. Allele origin: germline. Inheritance: Autosomal dominant inheritance. Observed: 5 variant alleles, 5 heterozygotes.
Comment: This missense variant replaces arginine with glutamine at codon 594 in the C-terminal cytoplasmic region of the KCNQ1 protein. Computational prediction suggests that this variant may have deleterious impact on protein structure and function (internally defined REVEL score threshold >= 0.7, PMID: 27666373). Functional studies have shown that this variant results in decreased cell surface protein expression and loss of potassium channel function (PMID: 15051636, 15140888, 20662986) by causing retention of the mutant protein in the endoplasmic reticulum and disturbing channel trafficking (PMID: 15935335, 24912595). This variant has been reported in up to 30 individuals affected with long QT syndrome, including over ten pediatric probands (PMID: 10973849, 12402336, 14678125, 15051636, 16818214, 17470695, 17905336, 19841300, 20662986, 22949429, 24218437, 24912595, 25453094, 27041096, 32421437), and 17 individuals suspected of having long QT syndrome (PMID: 15840476, 19716085). This variant has been observed in two biallelic individuals affected with Jervell and Lange-Nielsen Syndrome (PMID: 11140949, 11530100, 29677589). This variant has been identified in 7/282350 chromosomes in the general population by the Genome Aggregation Database (gnomAD). Based on the available evidence, this variant is classified as Pathogenic.

This study involves interpretation of variants in research participants for the purpose of population health screening. Participant phenotype was not available at the time of variant classification. Additional details can be found in publication PMID: 35346344, PMCID: PMC8962531

Blueprint Genetics
Classification: Pathogenic for KCNQ1-related disorders. Last evaluated: 2023-09-08. Review status: criteria provided, single submitter. Criteria: ACMG Guidelines, 2015. Collection method: clinical testing. Allele origin: germline. Affected: yes. Observed: 5 variant alleles.

Molecular Genetics Laboratory - Cardiogenetics, CHU de Nantes
Classification: Pathogenic for Long QT syndrome 1. Last evaluated: 2023-08-01. Review status: criteria provided, single submitter. Criteria: ACMG Guidelines, 2015. Collection method: clinical testing. Allele origin: germline. Affected: yes.

Victorian Clinical Genetics Services, Murdoch Childrens Research Institute
Classification: Pathogenic for Long QT syndrome 1. Last evaluated: 2023-07-17. Review status: criteria provided, single submitter. Criteria: ACMG Guidelines, 2015. Collection method: clinical testing. Allele origin: germline. Inheritance: Autosomal dominant inheritance. Affected: yes.
Comment: Based on the classification scheme VCGS_Germline_v1.3.4, this variant is classified as Pathogenic. Following criteria are met: 0103 - Dominant negative, loss of function and gain of function are known mechanisms of disease in this gene. Gain of function variants result exclusively in short QT syndrome 2 (MIM#609621), while dominant negative and loss of function variants can cause long QT syndrome 1 (LQTS, MIM#192500), familial atrial fibrillation 3 (MIM#607554) as well as Jervell and Lange-Nielsen syndrome (JLNS, MIM#220400) (OMIM, PMIDs: 19632626, 28438721). (I) 0108 - This gene is known to be associated with both recessive and dominant disease. JLNS is characterised by congenital, bilateral deafness and variable degrees of QT prolongation, and is the only condition caused by biallelic variants (PMID: 28438721). (I) 0112 - The condition associated with this gene has incomplete penetrance (OMIM, PMID: 20301308). (I) 0200 - Variant is predicted to result in a missense amino acid change from arginine to glutamine. (I) 0251 - This variant is heterozygous. (I) 0304 - Variant is present in gnomAD (v2 & v3) <0.01 (8 heterozygotes, 0 homozygotes). (SP) 0502 - Missense variant with conflicting in silico predictions and high conservation. (I) 0600 - Variant is located in the annotated KCNQ_channel domain (DECIPHER). (I) 0801 - This variant has strong previous evidence of pathogenicity in unrelated individuals. It has been reported in at least 19 unrelated individuals with long QT syndrome, and as pathogenic and likely pathogenic by many clinical testing laboratories (PMIDs: 17905336, 19716085, 24218437, VCGS and ClinVar). (SP) 1208 - Inheritance information for this variant is not currently available in this individual. (I) Legend: (SP) - Supporting pathogenic, (I) - Information, (SB) - Supporting benign

GeneDx
Classification: Pathogenic. Last evaluated: 2022-07-18. Review status: criteria provided, single submitter. Criteria: GeneDx Variant Classification Process June 2021. Collection method: clinical testing. Allele origin: germline. Affected: yes.
Comment: This variant is associated with the following publications: (PMID: 19862833, 27470144, 22956155, 11530100, 12402336, 15935335, 19716085, 22949429, 20662986, 19825999, 23098067, 17329209, 15051636, 25453094, 24912595, 22885918, 17329207, 15140888, 11140949, 26481773, 22629021, 19815527, 17470695, 26669661, 21451124, 16540748, 10973849, 14678125, 15840476, 16818214, 17905336, 24218437, 29740400, 29677589, 31963859, 30609406, 30974404, 31447099, 31737537, 33777698, 33087929, 34135346, 32686758, 34505893)

Revvity Omics, Revvity
Classification: Pathogenic. Last evaluated: 2022-01-11. Review status: criteria provided, single submitter. Criteria: ACMG Guidelines, 2015. Collection method: clinical testing. Allele origin: germline.

AiLife Diagnostics
Classification: Likely pathogenic. Last evaluated: 2021-12-23. Review status: criteria provided, single submitter. Criteria: ACMG Guidelines, 2015. Collection method: clinical testing. Allele origin: germline. Affected: yes. Observed: 1 variant allele.

Fulgent Genetics
Classification: Pathogenic for Beckwith-Wiedemann syndrome; Long QT syndrome 1; Jervell and Lange-Nielsen syndrome 1; Atrial fibrillation, familial, 3; Short QT syndrome type 2. Last evaluated: 2021-07-09. Review status: criteria provided, single submitter. Criteria: ACMG Guidelines, 2015. Collection method: clinical testing. Allele origin: unknown.

Women's Health and Genetics/Laboratory Corporation of America, LabCorp
Classification: Pathogenic for Long QT syndrome. Last evaluated: 2021-06-21. Review status: criteria provided, single submitter. Criteria: LabCorp Variant Classification Summary - May 2015. Collection method: clinical testing. Allele origin: germline.
Comment: Variant summary: KCNQ1 c.1781G>A (p.Arg594Gln) results in a conservative amino acid change located in the Potassium channel, voltage dependent, KCNQ, C-terminal domain (IPR013821) of the encoded protein sequence. Three of five in-silico tools predict a damaging effect of the variant on protein function. The variant allele was found at a frequency of 2e-05 in 251368 control chromosomes. c.1781G>A has been reported in the literature in multiple individuals affected with Long QT Syndrome (e.g. Splawski_2000, Amin_2012). These data indicate that the variant is very likely to be associated with disease. Multiple publications report in-vitro experimental evidence demonstrating impaired trafficking and activity of the protein channels in cells expressing the variant (e.g. Wilson_2005, Zhang_2014). Six other clinical diagnostic laboratories have submitted clinical-significance assessments for this variant to ClinVar after 2014 without evidence for independent evaluation. All laboratories cited the variant as pathogenic/likely pathogenic. Based on the evidence outlined above, the variant was classified as pathogenic.

Clinical Genetics Laboratory, Region Ostergotland
Classification: Pathogenic for Long QT syndrome 1. Last evaluated: 2020-11-24. Review status: criteria provided, single submitter. Criteria: ACMG Guidelines, 2015. Collection method: clinical testing. Allele origin: germline. Affected: yes.
Comment: PS4, PM1, PP3, PM5, PM2

Laboratory for Molecular Medicine, Mass General Brigham Personalized Medicine
Classification: Likely pathogenic for Familial long QT syndrome. Last evaluated: 2019-08-21. Review status: criteria provided, single submitter. Criteria: LMM Criteria. Collection method: clinical testing. Allele origin: germline. Observed: 10 variant alleles.
Comment: The p.Arg594Gln variant in KCNQ1 has been reported in the heterozygous state in at least 8 individuals with long QT syndrome (LQTS) and segregated with disease in at least 3 affected relatives from at least 2 families (Splawski 2000, Jongbloed 2002, Zareba 2003, Tester 2006, Chung 2007, Moss 2007, Giudicessi 2012, Cueno 2013). It was also identified in the compound heterozygous state in 2 individuals with Jervell and Lange-Nielsen syndrome (JLNS), in 1 individual with severe LQTS who did not appear to have hearing loss (Huang 2001, Westenskow 2004, Mura 2108). This variant has also been reported by other clinical laboratories in ClinVar (Variation ID: 53018) and has been identified in 7/282350 pan-ethnic chromosomes by gnomAD. Please note that for diseases with late-onset, reduced penetrance, or recessive inheritance, pathogenic variants may be present at a low frequency in the general population. In vitro functional studies provide some evidence that this variant impacts protein function (Huang 2001, Westenskow 2004, Wilson 2005, Horr 2011, Harmer 2014, Zhang 2014) and computational prediction tools and conservation analyses are consistent with pathogenicity. In summary, although additional studies are required to fully establish its clinical significance, the p.Arg594Gln variant is likely pathogenic. ACMG/AMP Criteria applied: PM3, PS3_supporting, PS4_Moderate, PM2_Supporting, PP3, PP1.